The following is an entry in ClinVar:

ClinVar aggregate classification (germline): Uncertain significance (1 of 4 stars; one submission).

gnomAD v4.1: 1 of 1,614,158 alleles (0.000062%); highest among the groups gnomAD compares: South Asian, 0.0011%; no homozygotes.

Submission:

GeneDx
Classification: Uncertain significance. Last evaluated: 2025-05-13. Review status: criteria provided, single submitter. Criteria: GeneDx Variant Classification Process June 2021. Collection method: clinical testing. Allele origin: germline. Affected: yes.
Comment: Not observed at significant frequency in large population cohorts (gnomAD); In silico analysis suggests that this missense variant does not alter protein structure/function; Has not been previously published as pathogenic or benign to our knowledge

NM_018297.4(NGLY1):c.392G>T (p.Ser131Ile)

Gene: NGLY1 (N-glycanase 1; minus strand). Cytogenetic location: 3p24.2.
Variant type: single nucleotide variant.
Coding change: c.392G>T on transcript NM_018297.4 (MANE Select); coding-DNA position 392, G replaced by T.
Protein change: p.Ser131Ile; replaces serine 131 with isoleucine.
Molecular consequence: missense variant.
Genome position (GRCh38, 1-based): chr3:25,764,166, C>A on the plus strand (G>T on the coding strand, the complement: NGLY1 is on the minus strand). VCF-style: chr3-25764166-C-A. GRCh37 (hg19) VCF-style: chr3-25805657-C-A.
Other names: c.392G>T, p.Ser131Ile (NM_001145293.2, NM_001145295.2); c.266G>T, p.Ser89Ile (NM_001145294.2); short protein forms S131I, S89I.
Identifiers: ClinVar variation 4529670 (VCV004529670.1).